The following is an entry in ClinVar:

NM_006593.4(TBR1):c.896G>A (p.Trp299Ter)

Gene: TBR1 (T-box brain transcription factor 1; plus strand). Cytogenetic location: 2q24.2.
Variant type: single nucleotide variant.
Coding change: c.896G>A on transcript NM_006593.4 (MANE Select); coding-DNA position 896, G replaced by A.
Protein change: p.Trp299Ter; replaces tryptophan 299 with a stop codon.
Molecular consequence: nonsense.
Genome position (GRCh38, 1-based): chr2:161,418,249, G>A. VCF-style: chr2-161418249-G-A. GRCh37 (hg19) VCF-style: chr2-162274760-G-A.
Other names: NM_006593.4(TBR1):c.896G>A; p.Trp299Ter; short protein forms W299*.
Identifiers: ClinVar variation 523678 (VCV000523678.4), dbSNP rs1553510385, ClinGen allele CA349212464.
Genomic context (GRCh38, chr2:161,418,249, plus strand): 5'-TTCTTTCTCTAGGAAATCGGGTCTATATGCATCCGGATTCCCCCAACACTGGGGCTCACT[G>A]GATGCGCCAAGAAATCTCTTTTGGAAAATTAAAACTTACGAACAACAAAGGAGCTTCAAA-3'

ClinVar aggregate classification (germline): Pathogenic/Likely pathogenic. Review status: criteria provided, multiple submitters, no conflicts (2 of 4 stars). 3 submissions from 2 submitters: Pathogenic (1); Likely pathogenic (2). Last evaluated 2026-03-02.

Conditions:
Marfanoid habitus and intellectual disability. Identifiers: MedGen CN263130.
Intellectual developmental disorder with autism and speech delay. Also called: AUTS5; Autism 5; AUTISM-RELATED SPEECH DELAY; Autism, susceptibility to, 5; PHRASE SPEECH DELAY, AUTISM-RELATED. Identifiers: MedGen C1853755, MONDO:0011627, OMIM 606053.
Moderate global developmental delay. Identifiers: MedGen C2237142, HP:0011343.
Autistic behavior. Identifiers: MedGen C0856975, HP:0000729.

Submissions (3):

Broad Center for Mendelian Genomics, Broad Institute of MIT and Harvard
Classification: Pathogenic for Intellectual developmental disorder with autism and speech delay. Last evaluated: 2026-03-02. Review status: criteria provided, single submitter. Criteria: ACMG Guidelines, 2015. Collection method: research. Allele origin: germline. Inheritance: Autosomal dominant inheritance.
Comment: The p.Trp299Ter variant in TBR1 has been previously reported in 1 individual with intellectual developmental disorder with autism and speech delay (PMID: 32277047), and was absent from large population studies. This variant has been reported in ClinVar (Variation ID: 523678) and has been interpreted as likely pathogenic by Université de Bourgogne. This variant is assumed de novo in 1 individual, but maternity and paternity have not been confirmed (PMID: 32277047). This nonsense variant leads to a premature termination codon at position 299, which is predicted to lead to a truncated or absent protein. Heterozygous loss of function of the TBR1 gene is an established disease mechanism in intellectual developmental disorder with autism and speech delay. In summary, this variant meets criteria to be classified as pathogenic for autosomal dominant intellectual developmental disorder with autism and speech delay. ACMG/AMP Criteria applied: PVS1, PM2_supporting, PM6_supporting (Richards 2015).

Equipe Genetique des Anomalies du Developpement, Université de Bourgogne
Classification: Likely pathogenic for Moderate global developmental delay; Autistic behavior. Last evaluated: 2017-03-16. Review status: criteria provided, single submitter. Criteria: ACMG Guidelines, 2015. Collection method: clinical testing. Allele origin: de novo. Affected: yes. Observed: 1 variant allele.

Equipe Genetique des Anomalies du Developpement, Université de Bourgogne
Classification: Likely pathogenic for Marfanoid habitus and intellectual disability. Review status: criteria provided, single submitter. Criteria: ACMG Guidelines, 2015. Collection method: research. Allele origin: de novo. Affected: yes.